The following is an entry in ClinVar:

NM_001130987.2(DYSF):c.889-104G>A

Gene: DYSF (dysferlin; plus strand). Cytogenetic location: 2p13.2.
Variant type: single nucleotide variant.
Coding change: c.889-104G>A on transcript NM_001130987.2 (MANE Select); 104 bases into the intron before coding-DNA position 889, G replaced by A.
Molecular consequence: intron variant.
Genome position (GRCh38, 1-based): chr2:71,516,076, G>A. VCF-style: chr2-71516076-G-A. GRCh37 (hg19) VCF-style: chr2-71743206-G-A.
Other names: c.886-104G>A (NM_001130979.2, NM_001130981.2, NM_001130980.2); c.793-104G>A (NM_001130978.2, NM_003494.4, NM_001130977.2 and 1 more transcripts); c.889-104G>A (NM_001130982.2, NM_001130985.2); c.796-104G>A (NM_001130983.2, NM_001130455.2, NM_001130984.2 and 1 more transcripts).
Identifiers: ClinVar variation 681726 (VCV000681726.5), dbSNP rs13417592, ClinGen allele CA11118014.

ClinVar aggregate classification (germline): Benign. Review status: criteria provided, multiple submitters, no conflicts (2 of 4 stars). 3 submissions from 3 submitters: Benign (3). Last evaluated 2021-06-10.

Conditions:
Miyoshi muscular dystrophy 1 (MMD1). Identifiers: Orphanet 45448, MedGen C4551973, MONDO:0024545, OMIM 254130.

Allele frequency attached by ClinVar (database versions not stated): 1000 Genomes Project 0.07628; 1000 Genomes Project 30x 0.07667; gnomAD exomes 0.08340; gnomAD 0.09529 and 0.09831; TOPMed 0.09610.
gnomAD v4.1: 98,341 of 1,154,886 alleles (8.5%); highest among the groups gnomAD compares: African/African-American, 12%; 4,589 homozygotes.

Submissions (3):

Genome-Nilou Lab
Classification: Benign for Miyoshi muscular dystrophy 1. Last evaluated: 2021-06-10. Review status: criteria provided, single submitter. Criteria: ACMG Guidelines, 2015. Collection method: clinical testing. Allele origin: germline. Affected: no.

GeneDx
Classification: Benign. Last evaluated: 2018-06-14. Review status: criteria provided, single submitter. Criteria: GeneDx Variant Classification (06012015). Collection method: clinical testing. Allele origin: germline. Affected: yes.
Comment: This variant is considered likely benign or benign based on one or more of the following criteria: it is a conservative change, it occurs at a poorly conserved position in the protein, it is predicted to be benign by multiple in silico algorithms, and/or has population frequency not consistent with disease.

Breakthrough Genomics
Classification: Benign. Review status: criteria provided, single submitter. Criteria: ACMG Guidelines, 2015. Collection method: not provided. Allele origin: germline. Inheritance: Autosomal recessive inheritance. Affected: yes.